The following is an entry in ClinVar:

ClinVar aggregate classification (germline): Uncertain significance. Review status: criteria provided, multiple submitters, no conflicts (2 of 4 stars). 2 submissions from 2 submitters: Uncertain significance (2). Last evaluated 2022-12-18.

Allele frequency attached by ClinVar (database versions not stated): gnomAD exomes 0.00002; ExAC 0.00007; TOPMed 0.00019; gnomAD 0.00023; ESP Exome Variant Server 0.00039; 1000 Genomes Project 0.00040; 1000 Genomes Project 30x 0.00047.
gnomAD v4.1: 58 of 1,575,354 alleles (0.0037%); highest among the groups gnomAD compares: African/African-American, 0.074%; 1 homozygote.

Submissions (2):

Labcorp Genetics (formerly Invitae), Labcorp
Classification: Uncertain significance. Last evaluated: 2022-12-18. Review status: criteria provided, single submitter. Criteria: Invitae Variant Classification Sherloc (09022015). Collection method: clinical testing. Allele origin: germline.
Comment: This variant is present in population databases (rs150545544, gnomAD 0.09%), and has an allele count higher than expected for a pathogenic variant. This variant has not been reported in the literature in individuals affected with NIN-related conditions. Algorithms developed to predict the effect of missense changes on protein structure and function (SIFT, PolyPhen-2, Align-GVGD) all suggest that this variant is likely to be disruptive. In summary, the available evidence is currently insufficient to determine the role of this variant in disease. Therefore, it has been classified as a Variant of Uncertain Significance. This sequence change replaces glutamic acid, which is acidic and polar, with glutamine, which is neutral and polar, at codon 1522 of the NIN protein (p.Glu1522Gln).

Ambry Genetics
Classification: Uncertain significance. Last evaluated: 2021-08-13. Review status: criteria provided, single submitter. Criteria: Ambry Variant Classification Scheme 2023. Collection method: clinical testing. Allele origin: germline.

NM_020921.4(NIN):c.4564G>C (p.Glu1522Gln)

Gene: NIN (ninein; minus strand). Cytogenetic location: 14q22.1.
Variant type: single nucleotide variant.
Coding change: c.4564G>C on transcript NM_020921.4 (MANE Select); coding-DNA position 4564, G replaced by C.
Protein change: p.Glu1522Gln; replaces glutamic acid 1522 with glutamine.
Molecular consequence: missense variant.
Genome position (GRCh38, 1-based): chr14:50,754,842, C>G on the plus strand (G>C on the coding strand, the complement: NIN is on the minus strand). VCF-style: chr14-50754842-C-G. GRCh37 (hg19) VCF-style: chr14-51221560-C-G.
Other names: c.2425G>C, p.Glu809Gln (NM_016350.5); c.4564G>C, p.Glu1522Gln (NM_182944.3, NM_182946.2); short protein forms E1522Q, E809Q.
Identifiers: ClinVar variation 2380009 (VCV002380009.5), dbSNP rs150545544, ClinGen allele CA7181563.